The following is an entry in ClinVar:

NM_152384.3(BBS5):c.814A>C (p.Lys272Gln)

Gene: BBS5 (Bardet-Biedl syndrome 5; plus strand). Cytogenetic location: 2q31.1.
Variant type: single nucleotide variant.
Coding change: c.814A>C on transcript NM_152384.3 (MANE Select); coding-DNA position 814, A replaced by C.
Protein change: p.Lys272Gln; replaces lysine 272 with glutamine.
Molecular consequence: missense variant.
Genome position (GRCh38, 1-based): chr2:169,499,618, A>C. VCF-style: chr2-169499618-A-C. GRCh37 (hg19) VCF-style: chr2-170356128-A-C.
Other names: short protein forms K272Q.
Identifiers: ClinVar variation 3351978 (VCV003351978.1).

ClinVar aggregate classification (germline): Uncertain significance (0 of 4 stars; one submission).

Conditions:
BBS5-related disorder. Also called: BBS5-related condition.

gnomAD v4.1: 26 of 1,613,800 alleles (0.0016%); highest among the groups gnomAD compares: Non-Finnish European, 0.0022%; no homozygotes.

Submission:

PreventionGenetics, part of Exact Sciences
Classification: Uncertain significance for BBS5-related condition. Last evaluated: 2024-06-24. Review status: no assertion criteria provided. Collection method: clinical testing. Allele origin: germline.
Comment: The BBS5 c.814A>C variant is predicted to result in the amino acid substitution p.Lys272Gln. To our knowledge, this variant has not been reported in the literature. This variant is reported in 0.0026% of alleles in individuals of European (Non-Finnish) descent in gnomAD. At this time, the clinical significance of this variant is uncertain due to the absence of conclusive functional and genetic evidence.